The following is an entry in ClinVar:

ClinVar aggregate classification (germline): Conflicting classifications of pathogenicity. Review status: criteria provided, conflicting classifications (1 of 4 stars). 2 submissions from 2 submitters: Uncertain significance (1); Likely benign (1). Last evaluated 2024-05-20.

Conditions:
Hereditary cancer-predisposing syndrome. Also called: Hereditary neoplastic syndrome; Tumor predisposition; Neoplastic Syndromes, Hereditary; Hereditary Cancer Syndrome. Identifiers: Orphanet 140162, MedGen C0027672, MeSH D009386, MONDO:0015356.
Hereditary diffuse gastric adenocarcinoma (HDGC). Also called: DIFFUSE GASTRIC AND LOBULAR BREAST CANCER SYNDROME. Identifiers: Orphanet 26106, MedGen C1708349, MONDO:0007648, OMIM 137215.

Allele frequency attached by ClinVar (database versions not stated): gnomAD exomes below 0.00001.
gnomAD v4.1: 1 of 1,614,134 alleles (0.000062%); highest among the groups gnomAD compares: Non-Finnish European, 0.000085%; no homozygotes.

Submissions (2):

Ambry Genetics
Classification: Likely benign for Hereditary cancer-predisposing syndrome. Last evaluated: 2024-05-20. Review status: criteria provided, single submitter. Criteria: Ambry Variant Classification Scheme 2023. Collection method: clinical testing. Allele origin: germline.

Labcorp Genetics (formerly Invitae), Labcorp
Classification: Uncertain significance for Hereditary diffuse gastric adenocarcinoma. Last evaluated: 2021-07-30. Review status: criteria provided, single submitter. Criteria: Invitae Variant Classification Sherloc (09022015). Collection method: clinical testing. Allele origin: germline.
Comment: In summary, the available evidence is currently insufficient to determine the role of this variant in disease. Therefore, it has been classified as a Variant of Uncertain Significance. Algorithms developed to predict the effect of missense changes on protein structure and function (SIFT, PolyPhen-2, Align-GVGD) all suggest that this variant is likely to be tolerated. This variant has not been reported in the literature in individuals affected with CDH1-related conditions. This variant is not present in population databases (ExAC no frequency). This sequence change replaces glycine with valine at codon 78 of the CDH1 protein (p.Gly78Val). The glycine residue is weakly conserved and there is a moderate physicochemical difference between glycine and valine.

NM_004360.5(CDH1):c.233G>T (p.Gly78Val)

Gene: CDH1 (cadherin 1; plus strand). Cytogenetic location: 16q22.1.
Variant type: single nucleotide variant.
Coding change: c.233G>T on transcript NM_004360.5 (MANE Select); coding-DNA position 233, G replaced by T.
Protein change: p.Gly78Val; replaces glycine 78 with valine.
Molecular consequence: missense variant. On other transcripts: 5 prime UTR variant (2).
Genome position (GRCh38, 1-based): chr16:68,801,739, G>T. VCF-style: chr16-68801739-G-T. GRCh37 (hg19) VCF-style: chr16-68835642-G-T.
Other names: c.233G>T (NM_004360.3); c.233G>T, p.Gly78Val (NM_001317184.2); c.-1383G>T (NM_001317185.2); c.-1587G>T (NM_001317186.2); short protein forms G78V.
Identifiers: ClinVar variation 1478955 (VCV001478955.7), dbSNP rs587781404, ClinGen allele CA396457209.